The following is an entry in ClinVar:

NM_002016.2(FLG):c.1603T>C (p.Ser535Pro)

Genes: CCDST (cervical cancer associated DHX9 suppressive transcript; plus strand), FLG (filaggrin; minus strand). Cytogenetic location: 1q21.3.
Variant type: single nucleotide variant.
Coding change: c.1603T>C on transcript NM_002016.2 (MANE Select); coding-DNA position 1603, T replaced by C.
Protein change: p.Ser535Pro; replaces serine 535 with proline.
Molecular consequence: missense variant.
Genome position (GRCh38, 1-based): chr1:152,313,283, A>G on the plus strand (T>C on the coding strand, the complement: FLG is on the minus strand). VCF-style: chr1-152313283-A-G. GRCh37 (hg19) VCF-style: chr1-152285759-A-G.
Other names: short protein forms S535P.
Identifiers: ClinVar variation 1220490 (VCV001220490.5), dbSNP rs74129464, ClinGen allele CA1107559.
Genomic context (GRCh38, chr1:152,313,283, plus strand): 5'-ACCTTCCCTGGGATGTGGTGTGGCTGTGATGGGAACCTGAGTGTCCAGACCTATTTACCG[A>G]TTGCTCGTGGTGGGATCCCTGCCTTCCTCCTCTGCTTGACCCCGGGTGTCCACGAATGGT-3'
Protein context (NP_002007.1, residues 525-545): GGRQGSHHEQ[Ser535Pro]VNRSGHSGSH

ClinVar aggregate classification (germline): Benign/Likely benign. Review status: criteria provided, multiple submitters, no conflicts (2 of 4 stars). 3 submissions from 3 submitters: Benign (1); Likely benign (2). Last evaluated 2025-05-05.

Conditions:
FLG-related disorder. Also called: FLG-related disorders; FLG-related condition.

Allele frequency attached by ClinVar (database versions not stated): gnomAD exomes 0.00137 and 0.00322; ExAC 0.00395; gnomAD 0.01153 and 0.01226; TOPMed 0.01303; ESP Exome Variant Server 0.01369; 1000 Genomes Project 0.01538; 1000 Genomes Project 30x 0.01546.
gnomAD v4.1: 3,843 of 1,613,388 alleles (0.24%); highest among the groups gnomAD compares: African/African-American, 4%; 70 homozygotes.

Submissions (3):

PreventionGenetics, part of Exact Sciences
Classification: Benign for FLG-related condition. Last evaluated: 2025-05-05. Review status: criteria provided, single submitter. Criteria: ACMG Guidelines, 2015. Collection method: clinical testing. Allele origin: germline.
Comment: This variant is classified as benign based on ACMG/AMP sequence variant interpretation guidelines (Richards et al. 2015 PMID: 25741868, with internal and published modifications).

GeneDx
Classification: Likely benign. Last evaluated: 2018-07-05. Review status: criteria provided, single submitter. Criteria: GeneDx Variant Classification Process June 2021. Collection method: clinical testing. Allele origin: germline. Affected: yes.

Breakthrough Genomics
Classification: Likely benign. Review status: criteria provided, single submitter. Criteria: ACMG Guidelines, 2015. Collection method: not provided. Allele origin: germline. Inheritance: Autosomal dominant inheritance. Affected: yes.